The following is an entry in ClinVar:

ClinVar aggregate classification (germline): Uncertain significance (1 of 4 stars; one submission).

Submission:

Labcorp Genetics (formerly Invitae), Labcorp
Classification: Uncertain significance. Last evaluated: 2022-05-08. Review status: criteria provided, single submitter. Criteria: Invitae Variant Classification Sherloc (09022015). Collection method: clinical testing. Allele origin: germline.
Comment: In summary, the available evidence is currently insufficient to determine the role of this variant in disease. Therefore, it has been classified as a Variant of Uncertain Significance. This variant disrupts the triple helix domain of COL7A1. Glycine residues within the Gly-Xaa-Yaa repeats of the triple helix domain are required for the structure and stability of fibrillar collagens (PMID: 7695699, 8218237, 19344236), and variants at these glycine residues in COL7A1 are more frequently observed in individuals with disease than in the general population (PMID: 22058051). However, the clinical significance of this observation remains uncertain since only a limited number of affected individuals have been described to date. Algorithms developed to predict the effect of sequence changes on RNA splicing suggest that this variant may disrupt the consensus splice site. This variant has not been reported in the literature in individuals affected with COL7A1-related conditions. This variant is not present in population databases (gnomAD no frequency). This variant, c.6835_6846del, results in the deletion of 4 amino acid(s) of the COL7A1 protein (p.Ser2279_Leu2282del), but otherwise preserves the integrity of the reading frame.

Literature cited by the submitters: PubMed 7695699; PubMed 8218237; PubMed 19344236; PubMed 22058051.

NM_000094.4(COL7A1):c.6835_6846del (p.Ser2279_Leu2282del)

Gene: COL7A1 (collagen type VII alpha 1 chain; minus strand). Cytogenetic location: 3p21.31.
Variant type: Deletion.
Coding change: c.6835_6846del on transcript NM_000094.4 (MANE Select); coding-DNA positions 6835 to 6846, 12 bases deleted (TCACCAGGTCTG).
Protein change: p.Ser2279_Leu2282del.
Molecular consequence: inframe deletion.
Genome position (GRCh38, 1-based): chr3:48,572,725-48,572,736, CAGACCTGGTGA deleted on the plus strand (TCACCAGGTCTG on the coding strand, the reverse complement: COL7A1 is on the minus strand); deleting any 12 consecutive bases within chr3:48,572,725-48,572,737 gives the same sequence; the c. name uses the placement nearest the transcript's 3' end. VCF-style (leftmost placement, unchanged base first): chr3-48572724-GCAGACCTGGTGA-G. GRCh37 (hg19) VCF-style: chr3-48610157-GCAGACCTGGTGA-G.
Identifiers: ClinVar variation 2098150 (VCV002098150.4), dbSNP rs2530910125, ClinGen allele CA2580069932.